The following is an entry in ClinVar:

NM_003235.5(TG):c.7264G>A (p.Ala2422Thr)

Genes: SLA (Src like adaptor; minus strand), TG (thyroglobulin; plus strand). Cytogenetic location: 8q24.22.
Variant type: single nucleotide variant.
Coding change: c.7264G>A on transcript NM_003235.5 (MANE Select); coding-DNA position 7264, G replaced by A.
Protein change: p.Ala2422Thr; replaces alanine 2422 with threonine.
Molecular consequence: missense variant. On other transcripts: intron variant (4).
Genome position (GRCh38, 1-based): chr8:133,095,068, G>A. VCF-style: chr8-133095068-G-A. GRCh37 (hg19) VCF-style: chr8-134107312-G-A.
Other names: c.-264+7485C>T (NM_001282965.2); c.11+7485C>T (NM_001282964.2, NM_001045557.3); c.-319+7485C>T (NM_001045556.3); short protein forms A2422T.
Identifiers: ClinVar variation 361993 (VCV000361993.10), dbSNP rs73354644, ClinGen allele CA4885589.

ClinVar aggregate classification (germline): Benign/Likely benign. Review status: criteria provided, multiple submitters, no conflicts (2 of 4 stars). 4 submissions from 4 submitters: Benign (3); Likely benign (1). Last evaluated 2026-05-12.

Conditions:
Iodotyrosyl coupling defect (TDH3). Also called: HYPOTHYROIDISM, CONGENITAL, DUE TO DYSHORMONOGENESIS, 3; THYROID HORMONOGENESIS, GENETIC DEFECT IN, 3. Identifiers: Orphanet 95716, MedGen C0342194, MONDO:0010135, OMIM 274700.

Allele frequency attached by ClinVar (database versions not stated): gnomAD 0.04532 and 0.04215; 1000 Genomes Project 0.04253; 1000 Genomes Project 30x 0.04419; ESP Exome Variant Server 0.04967; TOPMed 0.04788.
gnomAD v4.1: 13,646 of 1,613,894 alleles (0.85%); highest among the groups gnomAD compares: African/African-American, 14%; 822 homozygotes.

Submissions (4):

Women's Health and Genetics/Laboratory Corporation of America, LabCorp
Classification: Likely benign. Last evaluated: 2026-05-12. Review status: criteria provided, single submitter. Criteria: LabCorp Variant Classification Summary - May 2015. Collection method: clinical testing. Allele origin: germline.

Labcorp Genetics (formerly Invitae), Labcorp
Classification: Benign. Last evaluated: 2026-02-01. Review status: criteria provided, single submitter. Criteria: Invitae Variant Classification Sherloc (09022015). Collection method: clinical testing. Allele origin: germline.

Illumina Laboratory Services, Illumina
Classification: Benign for Iodotyrosyl coupling defect. Last evaluated: 2018-01-13. Review status: criteria provided, single submitter. Criteria: ICSL Variant Classification Criteria 13 December 2019. Collection method: clinical testing. Allele origin: germline.
Comment: This variant was observed in the ICSL laboratory as part of a predisposition screen in an ostensibly healthy population. It had not been previously curated by ICSL or reported in the Human Gene Mutation Database (HGMD: prior to June 1st, 2018), and was therefore a candidate for classification through an automated scoring system. Utilizing variant allele frequency, disease prevalence and penetrance estimates, and inheritance mode, an automated score was calculated to assess if this variant is too frequent to cause the disease. Based on the score and internal cut-off values, a variant classified as benign is not then subjected to further curation. The score for this variant resulted in a classification of benign for this disease.

Breakthrough Genomics
Classification: Benign. Review status: criteria provided, single submitter. Criteria: ACMG Guidelines, 2015. Collection method: not provided. Allele origin: germline. Inheritance: Autosomal recessive inheritance. Affected: yes.